The following is an entry in ClinVar:

NM_017780.4(CHD7):c.1300C>T (p.Gln434Ter)

Gene: CHD7 (chromodomain helicase DNA binding protein 7; plus strand). Cytogenetic location: 8q12.2.
Variant type: single nucleotide variant.
Coding change: c.1300C>T on transcript NM_017780.4 (MANE Select); coding-DNA position 1300, C replaced by T.
Protein change: p.Gln434Ter; replaces glutamine 434 with a stop codon.
Molecular consequence: nonsense.
Genome position (GRCh38, 1-based): chr8:60,742,732, C>T. VCF-style: chr8-60742732-C-T. GRCh37 (hg19) VCF-style: chr8-61655291-C-T.
Other names: c.1300C>T, p.Gln434Ter (NM_001316690.1); short protein forms Q434*.
Identifiers: ClinVar variation 653661 (VCV000653661.8), dbSNP rs1586251038, ClinGen allele CA371302143.
Genomic context (GRCh38, chr8:60,742,732, plus strand): 5'-AGGCCGGGAAGTGCTGGGATACCAATGGAAGTTGGCAGTTATCCAAATATGCCCCATCCT[C>T]AGCCATCTCACCAGCCCCCTGGTGCCATGGGAATCGGACAGAGGAATATGGGCCCCAGAA-3'

ClinVar aggregate classification (germline): Pathogenic (1 of 4 stars; one submission).

Conditions:
CHARGE syndrome (CHARGE). Also called: Coloboma, heart anomaly, choanal atresia, retardation, genital and ear anomalies; CHARGE association; Hall-Hittner syndrome; Hittner Hirsch Kreh syndrome; CHARGE ASSOCIATION--COLOBOMA, HEART ANOMALY, CHOANAL ATRESIA, RETARDATION, GENITAL AND EAR ANOMALIES. Identifiers: Orphanet 138, MedGen C0265354, MONDO:0008965.

Submission:

Labcorp Genetics (formerly Invitae), Labcorp
Classification: Pathogenic for CHARGE syndrome. Last evaluated: 2024-06-19. Review status: criteria provided, single submitter. Criteria: Invitae Variant Classification Sherloc (09022015). Collection method: clinical testing. Allele origin: germline.
Comment: This sequence change creates a premature translational stop signal (p.Gln434*) in the CHD7 gene. It is expected to result in an absent or disrupted protein product. Loss-of-function variants in CHD7 are known to be pathogenic (PMID: 22461308, 25077900). This variant is not present in population databases (gnomAD no frequency). This variant has not been reported in the literature in individuals affected with CHD7-related conditions. ClinVar contains an entry for this variant (Variation ID: 653661). For these reasons, this variant has been classified as Pathogenic.

Literature cited by the submitters: PubMed 22461308; PubMed 25077900.